The following is an entry in ClinVar:

ClinVar aggregate classification (germline): Uncertain significance (1 of 4 stars; one submission).

Conditions:
Wilms tumor 1 (WT1). Also called: Wilms tumor, somatic. Identifiers: Orphanet 654, MedGen CN033288, MONDO:0008679, OMIM 194070.
11p partial monosomy syndrome (WAGR). Also called: WAGR syndrome; WAGR Complex; CHROMOSOME 11p13 DELETION SYNDROME; WAGR Spectrum Disorder. Identifiers: Orphanet 893, MedGen C0206115, MONDO:0008681, OMIM 194072.
Frasier syndrome. Identifiers: Orphanet 347, MedGen C0950122, MeSH D052159, MONDO:0007635, OMIM 136680.
Drash syndrome (DDS). Also called: WILMS TUMOR AND PSEUDO- OR TRUE HERMAPHRODITISM; NEPHROPATHY, WILMS TUMOR, AND GENITAL ANOMALIES. Identifiers: Orphanet 220, MedGen C0950121, MONDO:0008682, OMIM 194080.

Allele frequency attached by ClinVar (database versions not stated): ExAC 0.00001; gnomAD exomes 0.00002; gnomAD 0.00005.
gnomAD v4.1: 20 of 1,613,956 alleles (0.0012%); no homozygotes.

Submission:

Labcorp Genetics (formerly Invitae), Labcorp
Classification: Uncertain significance for Wilms tumor 1; Drash syndrome; 11p partial monosomy syndrome; Frasier syndrome. Last evaluated: 2022-09-01. Review status: criteria provided, single submitter. Criteria: Invitae Variant Classification Sherloc (09022015). Collection method: clinical testing. Allele origin: germline.
Comment: In summary, the available evidence is currently insufficient to determine the role of this variant in disease. Therefore, it has been classified as a Variant of Uncertain Significance. Algorithms developed to predict the effect of missense changes on protein structure and function are either unavailable or do not agree on the potential impact of this missense change (SIFT: "Deleterious"; PolyPhen-2: "Possibly Damaging"; Align-GVGD: "Class C0"). ClinVar contains an entry for this variant (Variation ID: 1492143). This variant has not been reported in the literature in individuals affected with WT1-related conditions. This variant is present in population databases (rs771455202, gnomAD 0.03%). This sequence change replaces phenylalanine, which is neutral and non-polar, with isoleucine, which is neutral and non-polar, at codon 239 of the WT1 protein (p.Phe239Ile).

NM_024426.6(WT1):c.730T>A (p.Phe244Ile)

Gene: WT1 (WT1 transcription factor; minus strand). Cytogenetic location: 11p13.
Variant type: single nucleotide variant.
Coding change: c.730T>A on transcript NM_024426.6 (MANE Select); coding-DNA position 730, T replaced by A.
Protein change: p.Phe244Ile; replaces phenylalanine 244 with isoleucine.
Molecular consequence: missense variant. On other transcripts: non-coding transcript variant (1).
Genome position (GRCh38, 1-based): chr11:32,428,551, A>T on the plus strand (T>A on the coding strand, the complement: WT1 is on the minus strand). VCF-style: chr11-32428551-A-T. GRCh37 (hg19) VCF-style: chr11-32450097-A-T.
Other names: c.730T>A, p.Phe244Ile (NM_000378.6, NM_001407044.1, NM_001407045.1 and 4 more transcripts); c.79T>A, p.Phe27Ile (NM_001198551.2, NM_001198552.2); c.-33T>A (NM_001407051.1); c.715T>A, p.Phe239Ile (NM_024425.2); short protein forms F27I, F244I, F239I.
Identifiers: ClinVar variation 1492143 (VCV001492143.7), dbSNP rs771455202, ClinGen allele CA065528.